The following is an entry in ClinVar:

NM_024675.4(PALB2):c.2997-18A>G

Gene: PALB2 (partner and localizer of BRCA2; minus strand). Cytogenetic location: 16p12.2.
Variant type: single nucleotide variant.
Coding change: c.2997-18A>G on transcript NM_024675.4 (MANE Select); 18 bases into the intron before coding-DNA position 2997, A replaced by G.
Molecular consequence: intron variant.
Genome position (GRCh38, 1-based): chr16:23,621,496, T>C on the plus strand (A>G on the coding strand, the complement: PALB2 is on the minus strand). VCF-style: chr16-23621496-T-C. GRCh37 (hg19) VCF-style: chr16-23632817-T-C.
Identifiers: ClinVar variation 630874 (VCV000630874.8), dbSNP rs750052146, ClinGen allele CA621356266.

ClinVar aggregate classification (germline): Likely benign. Review status: criteria provided, multiple submitters, no conflicts (2 of 4 stars). 3 submissions from 3 submitters: Likely benign (3). Last evaluated 2025-01-21.

Conditions:
Hereditary cancer-predisposing syndrome. Also called: Tumor predisposition; Neoplastic Syndromes, Hereditary; Hereditary neoplastic syndrome; Hereditary Cancer Syndrome. Identifiers: Orphanet 140162, MedGen C0027672, MeSH D009386, MONDO:0015356.
Familial cancer of breast. Also called: hereditary breast carcinoma; BREAST CANCER, FAMILIAL; Hereditary breast cancer. Identifiers: Orphanet 227535, MedGen C0346153, MONDO:0016419, OMIM 114480. Disease mechanism: loss of function.

gnomAD v4.1: 3 of 1,521,596 alleles (0.0002%); highest among the groups gnomAD compares: South Asian, 0.0011%; no homozygotes.

Submissions (3):

Myriad Genetics, Inc.
Classification: Likely benign for Familial cancer of breast. Last evaluated: 2025-01-21. Review status: criteria provided, single submitter. Criteria: Myriad Autosomal Dominant, Autosomal Recessive and X-Linked Classification Criteria (2023). Collection method: clinical testing. Allele origin: unknown.
Comment: This variant is considered likely benign. This variant is intronic and is not expected to impact mRNA splicing.

Labcorp Genetics (formerly Invitae), Labcorp
Classification: Likely benign for Familial cancer of breast. Last evaluated: 2024-08-31. Review status: criteria provided, single submitter. Criteria: Invitae Variant Classification Sherloc (09022015). Collection method: clinical testing. Allele origin: germline.

Color Diagnostics, LLC DBA Color Health
Classification: Likely benign for Hereditary cancer-predisposing syndrome. Last evaluated: 2017-11-23. Review status: criteria provided, single submitter. Criteria: ACMG Guidelines, 2015. Collection method: clinical testing. Allele origin: germline.